The following is an entry in ClinVar:

ClinVar aggregate classification (germline): Benign (1 of 4 stars; one submission).

Allele frequency attached by ClinVar (database versions not stated): gnomAD 0.02104 and 0.02265; 1000 Genomes Project 0.02336; TOPMed 0.02429; 1000 Genomes Project 30x 0.02452.
gnomAD v4.1: 3,187 of 152,272 alleles (2.1%); highest among the groups gnomAD compares: African/African-American, 7.2%; 121 homozygotes.

Submission:

GeneDx
Classification: Benign. Last evaluated: 2018-06-14. Review status: criteria provided, single submitter. Criteria: GeneDx Variant Classification (06012015). Collection method: clinical testing. Allele origin: germline. Affected: yes.
Comment: This variant is considered likely benign or benign based on one or more of the following criteria: it is a conservative change, it occurs at a poorly conserved position in the protein, it is predicted to be benign by multiple in silico algorithms, and/or has population frequency not consistent with disease.

NM_001358921.2(COQ2):c.763-307G>C

Gene: COQ2 (coenzyme Q2, polyprenyltransferase; minus strand). Cytogenetic location: 4q21.23.
Variant type: single nucleotide variant.
Coding change: c.763-307G>C on transcript NM_001358921.2 (MANE Select); 307 bases into the intron before coding-DNA position 763, G replaced by C.
Molecular consequence: intron variant.
Genome position (GRCh38, 1-based): chr4:83,268,081, C>G on the plus strand (G>C on the coding strand, the complement: COQ2 is on the minus strand). VCF-style: chr4-83268081-C-G. GRCh37 (hg19) VCF-style: chr4-84189234-C-G.
Other names: c.913-307G>C (NM_015697.9).
Identifiers: ClinVar variation 673118 (VCV000673118.1), dbSNP rs76591616, ClinGen allele CA100652051.